The following is an entry in ClinVar:

ClinVar aggregate classification (germline): Uncertain significance. Review status: criteria provided, multiple submitters, no conflicts (2 of 4 stars). 6 submissions from 2 submitters: Uncertain significance (6). Last evaluated 2020-05-29.

Conditions:
Tibial muscular dystrophy (TMD). Also called: Udd Distal Myopathy – Tibial Muscular Dystrophy; UDD MYOPATHY; Tibial muscular dystrophy, tardive. Identifiers: Orphanet 609, MedGen C1838244, MONDO:0010870, OMIM 600334.
Cardiovascular phenotype. Identifiers: MedGen CN230736.
Early-onset myopathy with fatal cardiomyopathy (CMYO5). Also called: CONGENITAL MYOPATHY 5 WITH CARDIOMYOPATHY; Salih Myopathy. Identifiers: Orphanet 289377, MedGen C2673677, MONDO:0012714, OMIM 611705. Disease mechanism: loss of function.
Autosomal recessive limb-girdle muscular dystrophy type 2J (LGMDR10). Also called: MUSCULAR DYSTROPHY, LIMB-GIRDLE, AUTOSOMAL RECESSIVE 10; Limb-girdle muscular dystrophy, type 2J. Identifiers: Orphanet 140922, MedGen C1837342, MONDO:0012127, OMIM 608807.
Dilated cardiomyopathy 1G (CMD1G). Identifiers: Orphanet 154, MedGen C1858763, MONDO:0011400, OMIM 604145.
Myopathy, myofibrillar, 9, with early respiratory failure (MFM9). Also called: Myopathy, distal, with early respiratory failure, autosomal dominant; Hereditary myopathy with early respiratory failure; EDSTROM MYOPATHY; MYOPATHY, PROXIMAL, WITH EARLY RESPIRATORY MUSCLE INVOLVEMENT. Identifiers: Orphanet 178464, Orphanet 34521, MedGen C1863599, MONDO:0011362, OMIM 603689.

Submissions (6):

Ambry Genetics
Classification: Uncertain significance for Cardiovascular phenotype. Last evaluated: 2020-05-29. Review status: criteria provided, single submitter. Criteria: Ambry Variant Classification Scheme 2023. Collection method: clinical testing. Allele origin: germline.
Comment: The p.W7159S variant (also known as c.21476G>C), located in coding exon 87 of the TTN gene, results from a G to C substitution at nucleotide position 21476. The tryptophan at codon 7159 is replaced by serine, an amino acid with highly dissimilar properties. This amino acid position is highly conserved in available vertebrate species. In addition, the in silico prediction for this alteration is inconclusive. Since supporting evidence is limited at this time, the clinical significance of this alteration remains unclear.

Illumina Laboratory Services, Illumina
Classification: Uncertain significance for Dilated cardiomyopathy 1G. Last evaluated: 2018-01-12. Review status: criteria provided, single submitter. Criteria: ICSL Variant Classification Criteria 13 December 2019. Collection method: clinical testing. Allele origin: germline.

Illumina Laboratory Services, Illumina
Classification: Uncertain significance for Tibial muscular dystrophy. Last evaluated: 2018-01-12. Review status: criteria provided, single submitter. Criteria: ICSL Variant Classification Criteria 13 December 2019. Collection method: clinical testing. Allele origin: germline.

Illumina Laboratory Services, Illumina
Classification: Uncertain significance for Early-onset myopathy with fatal cardiomyopathy. Last evaluated: 2018-01-12. Review status: criteria provided, single submitter. Criteria: ICSL Variant Classification Criteria 13 December 2019. Collection method: clinical testing. Allele origin: germline.

Illumina Laboratory Services, Illumina
Classification: Uncertain significance for Autosomal recessive limb-girdle muscular dystrophy type 2J. Last evaluated: 2018-01-12. Review status: criteria provided, single submitter. Criteria: ICSL Variant Classification Criteria 13 December 2019. Collection method: clinical testing. Allele origin: germline.

Illumina Laboratory Services, Illumina
Classification: Uncertain significance for Myopathy, myofibrillar, 9, with early respiratory failure. Last evaluated: 2018-01-12. Review status: criteria provided, single submitter. Criteria: ICSL Variant Classification Criteria 13 December 2019. Collection method: clinical testing. Allele origin: germline.

NM_001267550.2(TTN):c.48671G>C (p.Trp16224Ser)

Genes: TTN (titin; minus strand), TTN-AS1 (TTN antisense RNA 1; plus strand), LOC126806426 (BRD4-independent group 4 enhancer GRCh37_chr2:179478848-179480047; plus strand). Cytogenetic location: 2q31.2.
Variant type: single nucleotide variant.
Coding change: c.48671G>C on transcript NM_001267550.2 (MANE Select); coding-DNA position 48671, G replaced by C.
Protein change: p.Trp16224Ser; replaces tryptophan 16224 with serine.
Molecular consequence: missense variant.
Genome position (GRCh38, 1-based): chr2:178,614,936, C>G on the plus strand (G>C on the coding strand, the complement: TTN is on the minus strand). VCF-style: chr2-178614936-C-G. GRCh37 (hg19) VCF-style: chr2-179479663-C-G.
Other names: c.43748G>C, p.Trp14583Ser (NM_001256850.1); c.21476G>C, p.Trp7159Ser (NM_003319.4); c.40967G>C, p.Trp13656Ser (NM_133378.4); c.21851G>C, p.Trp7284Ser (NM_133432.3); c.22052G>C, p.Trp7351Ser (NM_133437.4); short protein forms W13656S, W16224S, W7159S, W14583S, W7351S, W7284S.
Identifiers: ClinVar variation 332849 (VCV000332849.7), dbSNP rs886055270, ClinGen allele CA10613288.
Genomic context (GRCh38, chr2:178,614,936, plus strand): 5'-GTGGGTCTGCTTGGTTTGCTAGCACCCTGCCTGTTTAAGGCCTTCACGCGGTAGGCATAC[C>G]ATTTGCCTTCCTCAAGACCTGTCACTTCCATTCTGTCAGAAAACAGAATAGGATGTTTTA-3'
Protein context (NP_001254479.2, residues 16214-16234): MEVTGLEEGK[Trp16224Ser]YAYRVKALNR